The following is an entry in ClinVar:

ClinVar aggregate classification (germline): Uncertain significance (1 of 4 stars; one submission).

gnomAD v4.1: 1 of 1,613,886 alleles (0.000062%); highest among the groups gnomAD compares: Non-Finnish European, 0.000085%; no homozygotes.

Submission:

Labcorp Genetics (formerly Invitae), Labcorp
Classification: Uncertain significance. Last evaluated: 2022-02-21. Review status: criteria provided, single submitter. Criteria: Invitae Variant Classification Sherloc (09022015). Collection method: clinical testing. Allele origin: germline.
Comment: In summary, the available evidence is currently insufficient to determine the role of this variant in disease. Therefore, it has been classified as a Variant of Uncertain Significance. Algorithms developed to predict the effect of missense changes on protein structure and function output the following: SIFT: "Not Available"; PolyPhen-2: "Benign"; Align-GVGD: "Not Available". The glutamic acid amino acid residue is found in multiple mammalian species, which suggests that this missense change does not adversely affect protein function. This variant has not been reported in the literature in individuals affected with C9-related conditions. This variant is not present in population databases (gnomAD no frequency). This sequence change replaces aspartic acid, which is acidic and polar, with glutamic acid, which is acidic and polar, at codon 104 of the C9 protein (p.Asp104Glu).

NM_001737.5(C9):c.312C>A (p.Asp104Glu)

Gene: C9 (complement C9; minus strand). Cytogenetic location: 5p13.1.
Variant type: single nucleotide variant.
Coding change: c.312C>A on transcript NM_001737.5 (MANE Select); coding-DNA position 312, C replaced by A.
Protein change: p.Asp104Glu; replaces aspartic acid 104 with glutamic acid.
Molecular consequence: missense variant.
Genome position (GRCh38, 1-based): chr5:39,341,572, G>T on the plus strand (C>A on the coding strand, the complement: C9 is on the minus strand). VCF-style: chr5-39341572-G-T. GRCh37 (hg19) VCF-style: chr5-39341674-G-T.
Other names: short protein forms D104E.
Identifiers: ClinVar variation 2100977 (VCV002100977.4), dbSNP rs747790831, ClinGen allele CA359563344.